The following is an entry in ClinVar:

NM_182961.4(SYNE1):c.8488-90G>A

Genes: SYNE1 (spectrin repeat containing nuclear envelope protein 1; minus strand), LOC126859838 (CDK7 strongly-dependent group 2 enhancer GRCh37_chr6:152706655-152707854; plus strand). Cytogenetic location: 6q25.2.
Variant type: single nucleotide variant.
Coding change: c.8488-90G>A on transcript NM_182961.4 (MANE Select); 90 bases into the intron before coding-DNA position 8488, G replaced by A.
Molecular consequence: intron variant.
Genome position (GRCh38, 1-based): chr6:152,385,928, C>T on the plus strand (G>A on the coding strand, the complement: SYNE1 is on the minus strand). VCF-style: chr6-152385928-C-T. GRCh37 (hg19) VCF-style: chr6-152707063-C-T.
Other names: c.8509-90G>A (NM_033071.5).
Identifiers: ClinVar variation 670672 (VCV000670672.1), dbSNP rs9478329, ClinGen allele CA150236993.

ClinVar aggregate classification (germline): Benign (1 of 4 stars; one submission).

Allele frequency attached by ClinVar (database versions not stated): gnomAD exomes 0.21823; gnomAD 0.28415 and 0.28493; TOPMed 0.29371; 1000 Genomes Project 30x 0.35665; 1000 Genomes Project 0.35703.
gnomAD v4.1: 275,509 of 1,214,052 alleles (23%); highest among the groups gnomAD compares: East Asian, 52%; 35,721 homozygotes.

Submission:

GeneDx
Classification: Benign. Last evaluated: 2018-06-14. Review status: criteria provided, single submitter. Criteria: GeneDx Variant Classification (06012015). Collection method: clinical testing. Allele origin: germline. Affected: yes.
Comment: This variant is considered likely benign or benign based on one or more of the following criteria: it is a conservative change, it occurs at a poorly conserved position in the protein, it is predicted to be benign by multiple in silico algorithms, and/or has population frequency not consistent with disease.